The following is an entry in ClinVar:

ClinVar aggregate classification (germline): Pathogenic/Likely pathogenic. Review status: criteria provided, multiple submitters, no conflicts (2 of 4 stars). 10 submissions from 10 submitters: Pathogenic (4); Likely pathogenic (3). 3 of the submissions do not count toward it. Last evaluated 2026-01-17.

Conditions:
Autism (AUTS). Also called: Autistic disorder of childhood onset; Autistic disorder. Identifiers: MedGen C0004352, MeSH D001321, MONDO:0005260, OMIM 209850, HP:0000717.
Aspartylglucosaminuria (AGU). Also called: Aspartylglucos-aminuria; Aspartylglucos-amidase (AGA) deficiency; AGA DEFICIENCY; GLYCOASPARAGINASE; GLYCOSYLASPARAGINASE DEFICIENCY. Identifiers: Orphanet 93, MedGen C0268225, MONDO:0008830, OMIM 208400, HP:0012068.

Allele frequency attached by ClinVar (database versions not stated): gnomAD exomes below 0.00001 and 0.00001; ExAC 0.00001.
gnomAD v4.1: 7 of 1,609,736 alleles (0.00043%); highest among the groups gnomAD compares: South Asian, 0.0044%; no homozygotes.

Submissions (10):

Labcorp Genetics (formerly Invitae), Labcorp
Classification: Pathogenic for Aspartylglucosaminuria. Last evaluated: 2026-01-17. Review status: criteria provided, single submitter. Criteria: Invitae Variant Classification Sherloc (09022015). Collection method: clinical testing. Allele origin: germline.
Comment: This sequence change replaces alanine, which is neutral and non-polar, with valine, which is neutral and non-polar, at codon 101 of the AGA protein (p.Ala101Val). This variant is present in population databases (rs121964908, gnomAD 0.003%). This missense change has been observed in individual(s) with clinical features of aspartylglucosaminuria (PMID: 1722323, 10571008). In at least one individual the data is consistent with being in trans (on the opposite chromosome) from a pathogenic variant. ClinVar contains an entry for this variant (Variation ID: 223). Invitae Evidence Modeling of protein sequence and biophysical properties (such as structural, functional, and spatial information, amino acid conservation, physicochemical variation, residue mobility, and thermodynamic stability) indicates that this missense variant is expected to disrupt AGA protein function with a positive predictive value of 95%. Experimental studies have shown that this missense change affects AGA function (PMID: 10571008). For these reasons, this variant has been classified as Pathogenic.

Natera, Inc.
Classification: Pathogenic for Aspartylglucosaminuria. Last evaluated: 2024-07-09. Review status: criteria provided, single submitter. Criteria: Natera Variant Classification Schema (03/2026). Collection method: clinical testing. Allele origin: germline.
Comment: The c.302C>T variant in AGA is a missense variant predicted to cause substitution of alanine to valine at amino acid 101. This variant is rare in the general population with a frequency below the threshold expected for the associated phenotype(s). This variant has been observed in one or more individuals affected with the associated recessive disease, as either homozygous or compound heterozygous with a second variant (PMID: 11309371, 8457202, 1722323). Additionally, this variant has been observed to segregate in affected family members (PMID: 8457202). Functional studies show that this variant may disrupt protein function (PMID: 11309371). Computational prediction algorithms indicate this variant is likely to affect gene or protein function. Given the available evidence, this variant is classified as Pathogenic.

Fulgent Genetics
Classification: Likely pathogenic for Aspartylglucosaminuria. Last evaluated: 2021-07-27. Review status: criteria provided, single submitter. Criteria: ACMG Guidelines, 2015. Collection method: clinical testing. Allele origin: unknown.

CeGaT Center for Human Genetics Tuebingen
Classification: Pathogenic. Last evaluated: 2021-06-01. Review status: criteria provided, single submitter. Criteria: CeGaT Center For Human Genetics Tuebingen Variant Classification Criteria Version 2. Collection method: clinical testing. Allele origin: germline. Affected: yes. Observed: 1 variant allele.

Baylor Genetics
Classification: Likely pathogenic for Aspartylglucosaminuria. Last evaluated: 2020-01-31. Review status: criteria provided, single submitter. Criteria: ACMG Guidelines, 2015. Collection method: clinical testing. Allele origin: unknown. Affected: yes.
Comment: This variant was determined to be likely pathogenic according to ACMG Guidelines, 2015 [PMID:25741868].

Knight Diagnostic Laboratories, Oregon Health and Sciences University
Classification: Likely pathogenic for Aspartylglucosaminuria. Last evaluated: 2016-04-15. Review status: criteria provided, single submitter. Criteria: ACMG Guidelines, 2015. Collection method: clinical testing. Allele origin: germline. Affected: no. Study: CSER-NextGen.
Comment: The c.302C>T (p.Ala101Val) missense variant in the AGA gene has been previously reported in two individuals affected with Aspartylglucosaminuria (Ikonen et al., 1991). In one of the affected individuals, this variant was observed in trans with a pathogenic variant (c.102_108del, p.Trp34*) (Ikonen et al., 1991). This variant is located at the dimer interface of the protein and is thus predicted to affect protein interaction and dimerization; additional, in vitro functional studies have shown the enzymatic activity was undetectable when this variant was introduced (Saito et al., 2008). This variant is reported at low frequency in the population databases (Exome Sequencing Project = 0%; 1000 Genomes = NA; and ExAC = 0.006%). Multiple in silico algorithms predict this variant to have a deleterious effect (GERP = 5.93; CADD = 36; PolyPhen = 1.0; SIFT = 0.0). AGA is the only gene in which pathogenic variants are known to cause Aspartylglucosaminuria. Therefore, this collective evidence supports the classification of the c.302C>T (p.Ala101Val) as a Likely pathogenic variant for Aspartylglucosaminuria. We have confirmed this finding in our laboratory using Sanger sequencing.

ARUP Laboratories, Molecular Genetics and Genomics, ARUP Laboratories
Classification: Pathogenic for Aspartylglucosaminuria. Review status: criteria provided, single submitter. Criteria: ARUP Molecular Germline Variant Investigation Process 2024. Collection method: clinical testing. Allele origin: germline.
Comment: The AGA c.302C>T; p.Ala101Val variant is reported in the literature in individuals affected with aspartylglucosaminuria, including in homozygous and compound heterozygous states (Ikonen 1991, Park 1993). This variant is only observed on one allele in the Genome Aggregation Database (v2.1.1), indicating it is not a common polymorphism. Computational analyses predict that this variant is deleterious (REVEL: 0.944). Functional analysis of the variant protein showed very low levels of AGA activity in control fibroblasts (Ikonen 1991), is not transported to the lysosome but rather localizes to the endoplasmic reticulum (Park 1993), and is predicted to disrupt dimerization (Saito 2008, Saarela 2001). Based on available information, this variant is considered to be pathogenic. References: Goodspeed K et al. Aspartylglucosaminuria: Clinical Presentation and Potential Therapies. J Child Neurol. 2021 Apr;36(5):403-414. PMID: 33439067. Ikonen E et al. Spectrum of mutations in aspartylglucosaminuria. Proc Natl Acad Sci U S A. 1991 Dec 15;88(24):11222-6. PMID: 1722323. Park H et al. Characterization of three alleles causing aspartylglycosaminuria: two from a British family and one from an American patient. Biochem J. 1993 Mar 15;290 ( Pt 3)(Pt 3):735-41. PMID: 8457202. Saarela J et al. Molecular pathogenesis of a disease: structural consequences of aspartylglucosaminuria mutations. Hum Mol Genet. 2001 Apr 15;10(9):983-95. PMID: 11309371. Saito S et al. Structural basis of aspartylglucosaminuria. Biochem Biophys Res Commun. 2008 Dec 26;377(4):1168-72. PMID: 18992224.

Counsyl
Classification: Likely pathogenic for Aspartylglucosaminuria. Last evaluated: 2017-09-06. Review status: no assertion criteria provided. Collection method: clinical testing. Allele origin: unknown. Not counted in ClinVar's aggregate classification.

OMIM
Classification: Pathogenic for ASPARTYLGLUCOSAMINURIA. Last evaluated: 1991-12-15. Review status: no assertion criteria provided. Collection method: literature only. Allele origin: germline. Not counted in ClinVar's aggregate classification.

Centre for Addiction & Mental Health
Classification: Uncertain significance for Autism. Review status: no assertion criteria provided. Collection method: research. Allele origin: biparental. Affected: yes. Observed: 1 homozygote. Segregation with disease observed. Not counted in ClinVar's aggregate classification.
Comment: Nonsynonymous variant in known disease gene; no homozygotes in gnomAD control data, but no functional assay data available

Literature cited by the submitters: PubMed 1722323 (cited by 4 submitters); PubMed 10571008 (cited by Labcorp Genetics (formerly Invitae), Labcorp); PubMed 11309371 (cited by Natera, Inc. and Counsyl); PubMed 8457202 (cited by Natera, Inc. and Counsyl); PubMed 18992224 (cited by Counsyl).

NM_000027.4(AGA):c.302C>T (p.Ala101Val)

Gene: AGA (aspartylglucosaminidase; minus strand). Cytogenetic location: 4q34.3.
Variant type: single nucleotide variant.
Coding change: c.302C>T on transcript NM_000027.4 (MANE Select); coding-DNA position 302, C replaced by T.
Protein change: p.Ala101Val; replaces alanine 101 with valine.
Molecular consequence: missense variant. On other transcripts: non-coding transcript variant (1).
Genome position (GRCh38, 1-based): chr4:177,439,668, G>A on the plus strand (C>T on the coding strand, the complement: AGA is on the minus strand). VCF-style: chr4-177439668-G-A. GRCh37 (hg19) VCF-style: chr4-178360822-G-A.
Other names: c.302C>T, p.Ala101Val (NM_001171988.2); short protein forms A101V.
Identifiers: ClinVar variation 223 (VCV000000223.51), dbSNP rs121964908, ClinGen allele CA114059.